The following is an entry in ClinVar:

ClinVar aggregate classification (germline): Benign. Review status: criteria provided, multiple submitters, no conflicts (2 of 4 stars). 3 submissions from 3 submitters: Benign (3). Last evaluated 2018-11-12.

Conditions:
Junctional epidermolysis bullosa. Identifiers: Orphanet 305, MedGen C0079301, MONDO:0017612.

Allele frequency attached by ClinVar (database versions not stated): 1000 Genomes Project 30x 0.29247; gnomAD 0.26829 and 0.27172; TOPMed 0.26212; 1000 Genomes Project 0.29892; gnomAD exomes 0.28235.

Submissions (3):

GeneDx
Classification: Benign. Last evaluated: 2018-11-12. Review status: criteria provided, single submitter. Criteria: GeneDx Variant Classification Process June 2021. Collection method: clinical testing. Allele origin: germline. Affected: yes.

Illumina Laboratory Services, Illumina
Classification: Benign for Junctional epidermolysis bullosa. Last evaluated: 2018-01-13. Review status: criteria provided, single submitter. Criteria: ICSL Variant Classification Criteria 13 December 2019. Collection method: clinical testing. Allele origin: germline.
Comment: This variant was observed in the ICSL laboratory as part of a predisposition screen in an ostensibly healthy population. It had not been previously curated by ICSL or reported in the Human Gene Mutation Database (HGMD: prior to June 1st, 2018), and was therefore a candidate for classification through an automated scoring system. Utilizing variant allele frequency, disease prevalence and penetrance estimates, and inheritance mode, an automated score was calculated to assess if this variant is too frequent to cause the disease. Based on the score and internal cut-off values, a variant classified as benign is not then subjected to further curation. The score for this variant resulted in a classification of benign for this disease.

Breakthrough Genomics
Classification: Benign. Review status: criteria provided, single submitter. Criteria: ACMG Guidelines, 2015. Collection method: not provided. Allele origin: germline. Inheritance: Autosomal recessive inheritance. Affected: yes.

NM_005562.2(LAMC2):c.-183G>A

Genes: LAMC2 (laminin subunit gamma 2; plus strand), LOC126805948 (MED14-independent group 3 enhancer GRCh37_chr1:183154769-183155968; plus strand). Cytogenetic location: 1q25.3.
Variant type: single nucleotide variant.
Coding change: c.-183G>A on transcript NM_005562.2; 183 bases upstream of the start codon, G replaced by A.
Genome position (GRCh38, 1-based): chr1:183,186,170, G>A. VCF-style: chr1-183186170-G-A. GRCh37 (hg19) VCF-style: chr1-183155305-G-A.
Identifiers: ClinVar variation 293977 (VCV000293977.9), dbSNP rs2276543, ClinGen allele CA10608950.